The following is an entry in ClinVar:

NM_001999.4(FBN2):c.995G>T (p.Gly332Val)

Gene: FBN2 (fibrillin 2; minus strand). Cytogenetic location: 5q23.3.
Variant type: single nucleotide variant.
Coding change: c.995G>T on transcript NM_001999.4 (MANE Select); coding-DNA position 995, G replaced by T.
Protein change: p.Gly332Val; replaces glycine 332 with valine.
Molecular consequence: missense variant.
Genome position (GRCh38, 1-based): chr5:128,408,757, C>A on the plus strand (G>T on the coding strand, the complement: FBN2 is on the minus strand). VCF-style: chr5-128408757-C-A. GRCh37 (hg19) VCF-style: chr5-127744450-C-A.
Other names: short protein forms G332V.
Identifiers: ClinVar variation 2843959 (VCV002843959.3), dbSNP rs2479482494, ClinGen allele CA360753529.

ClinVar aggregate classification (germline): Uncertain significance (1 of 4 stars; one submission).

Conditions:
Congenital contractural arachnodactyly (CCA). Also called: Beals-Hecht syndrome; BEALS SYNDROME; Arthrogryposis, distal, type 9. Identifiers: Orphanet 115, MedGen C0220668, MONDO:0007363, OMIM 121050.

gnomAD v4.1: 1 of 1,613,950 alleles (0.000062%); highest among the groups gnomAD compares: Non-Finnish European, 0.000085%; no homozygotes.

Submission:

Labcorp Genetics (formerly Invitae), Labcorp
Classification: Uncertain significance for Congenital contractural arachnodactyly. Last evaluated: 2023-03-08. Review status: criteria provided, single submitter. Criteria: Invitae Variant Classification Sherloc (09022015). Collection method: clinical testing. Allele origin: germline.
Comment: This sequence change replaces glycine, which is neutral and non-polar, with valine, which is neutral and non-polar, at codon 332 of the FBN2 protein (p.Gly332Val). This variant is not present in population databases (gnomAD no frequency). This variant has not been reported in the literature in individuals affected with FBN2-related conditions. Advanced modeling of protein sequence and biophysical properties (such as structural, functional, and spatial information, amino acid conservation, physicochemical variation, residue mobility, and thermodynamic stability) performed at Invitae indicates that this missense variant is expected to disrupt FBN2 protein function. In summary, the available evidence is currently insufficient to determine the role of this variant in disease. Therefore, it has been classified as a Variant of Uncertain Significance.